The following is an entry in ClinVar:

ClinVar aggregate classification (germline): Uncertain significance (1 of 4 stars; one submission).

Conditions:
Joubert syndrome and related disorders. Identifiers: Orphanet 140874, MedGen C5679612, MONDO:0015369.

Submission:

Institute of Genetic Medicine, Newcastle University
Classification: Uncertain significance for Joubert syndrome and related disorders. Last evaluated: 2026-04-11. Review status: criteria provided, single submitter. Criteria: ACMG Guidelines, 2015. Collection method: research. Allele origin: germline. Inheritance: Autosomal recessive inheritance. Affected: yes. Observed: 1 variant allele.
Comment: PP3_Moderate (SpliceAI donor loss 0.86); PM2_Supporting (gnomAD v4.1.0 popmax 0.0017%); PM3_Supporting (in trans with another TXNDC15 VUS). Non-canonical donor deletion with strong in silico splicing evidence.

NM_024715.4(TXNDC15):c.103+4_103+5del

Gene: TXNDC15 (thioredoxin domain containing 15; plus strand). Cytogenetic location: 5q31.1.
Variant type: Deletion.
Coding change: c.103+4_103+5del on transcript NM_024715.4 (MANE Select); bases 4 to 5 of the intron after coding-DNA position 103, 2 bases deleted (AG; older notation c.103+4_103+5delAG).
Molecular consequence: intron variant.
Genome position (GRCh38, 1-based): chr5:134,874,534-134,874,535, AG deleted; deleting any 2 consecutive bases within chr5:134,874,533-134,874,535 gives the same sequence; the c. name uses the placement nearest the transcript's 3' end. VCF-style (leftmost placement, unchanged base first): chr5-134874532-TGA-T. GRCh37 (hg19) VCF-style: chr5-134210222-TGA-T.
Other names: c.-102+51_-102+52del (NM_001350735.2).
Identifiers: ClinVar variation 4849879 (VCV004849879.1).